The following is an entry in ClinVar:

ClinVar aggregate classification (germline): Likely pathogenic. Review status: criteria provided, single submitter (1 of 4 stars). 2 submissions from 2 submitters: Likely pathogenic (1). 1 of the submissions does not count toward it. Last evaluated 2017-04-04.

Conditions:
Intellectual developmental disorder, autosomal dominant 6, with or without seizures. Also called: GRIN2B-related developmental delay, intellectual disability and autism spectrum disorder; Intellectual disability, autosomal dominant 6. Identifiers: Orphanet 589547, MedGen C3151411, MONDO:0013509, OMIM 613970.

Submissions (2):

Institute of Human Genetics, University of Leipzig Medical Center
Classification: Likely pathogenic for Intellectual developmental disorder, autosomal dominant 6, with or without seizures. Last evaluated: 2017-04-04. Review status: criteria provided, single submitter. Criteria: ACMG Guidelines, 2015. Collection method: clinical testing. Allele origin: de novo. Affected: yes.
Comment: This variant was identified as de novo (maternity and paternity confirmed).

OMIM
Classification: Pathogenic for INTELLECTUAL DEVELOPMENTAL DISORDER, AUTOSOMAL DOMINANT 6. Last evaluated: 2012-12-21. Review status: no assertion criteria provided. Collection method: literature only. Allele origin: germline. Not counted in ClinVar's aggregate classification.

Literature cited by the submitters: PubMed 28377535 (cited by Institute of Human Genetics, University of Leipzig Medical Center); PubMed 23160955 (cited by OMIM).

NM_000834.5(GRIN2B):c.1367G>A (p.Cys456Tyr)

Gene: GRIN2B (glutamate ionotropic receptor NMDA type subunit 2B; minus strand). Cytogenetic location: 12p13.1.
Variant type: single nucleotide variant.
Coding change: c.1367G>A on transcript NM_000834.5 (MANE Select); coding-DNA position 1367, G replaced by A.
Protein change: p.Cys456Tyr; replaces cysteine 456 with tyrosine.
Molecular consequence: missense variant.
Genome position (GRCh38, 1-based): chr12:13,615,626, C>T on the plus strand (G>A on the coding strand, the complement: GRIN2B is on the minus strand). VCF-style: chr12-13615626-C-T. GRCh37 (hg19) VCF-style: chr12-13768560-C-T.
Other names: short protein forms C456Y.
Identifiers: ClinVar variation 39658 (VCV000039658.3), dbSNP rs397514555, ClinGen allele CA130435.
Genomic context (GRCh38, chr12:13,615,626, plus strand): 5'-TAGGTGAACTTCACAGATTTAGAAATTTTCTTAAGGATGTCAATACAGAACCCCTTGCAG[C>T]ATTTTTTGATGTAACCCGGCTCCTCGTCTGTTTTATTCCTAGCCAATTAAAGAAACAAAA-3'
Protein context (NP_000825.2, residues 446-466): TDEEPGYIKK[Cys456Tyr]CKGFCIDILK